The following is an entry in ClinVar:

NM_005120.3(MED12):c.6408+1G>A

Gene: MED12 (mediator complex subunit 12; plus strand). Cytogenetic location: Xq13.1.
Variant type: single nucleotide variant.
Coding change: c.6408+1G>A on transcript NM_005120.3 (MANE Select); the canonical splice donor site of the intron after coding-DNA position 6408, G replaced by A.
Molecular consequence: splice donor variant.
Genome position (GRCh38, 1-based): chrX:71,141,371, G>A. VCF-style: chrX-71141371-G-A. GRCh37 (hg19) VCF-style: chrX-70361221-G-A.
Identifiers: ClinVar variation 1028860 (VCV001028860.9), dbSNP rs2092347488, ClinGen allele CA413542665.
Genomic context (GRCh38, chrX:71,141,371, plus strand): 5'-CAGCAGCAACAGCAGCAACAGGCGGCTCCTCCCCAACCCCAGCCCCAGTCCCAGCCCCAG[G>A]TAGCTGCTGGACTACAGCCCCAGGCTCAGGGACAGCTGCCCAGGTTGGGCACGCAGCCAG-3'

ClinVar aggregate classification (germline): Pathogenic/Likely pathogenic. Review status: criteria provided, multiple submitters, no conflicts (2 of 4 stars). 3 submissions from 3 submitters: Pathogenic (1); Likely pathogenic (2). Last evaluated 2024-04-26.

Conditions:
X-linked intellectual disability with marfanoid habitus. Also called: Lujan Syndrome; INTELLECTUAL DEVELOPMENTAL DISORDER, X-LINKED, SYNDROMIC, LUJAN-FRYNS TYPE; X-linked mental retardation with marfanoid habitus syndrome; Lujan Syndrome (LS). Identifiers: Orphanet 776, MedGen C0796022, MONDO:0010655, OMIM 309520.
FG syndrome (FGS). Identifiers: MedGen C0220769, MONDO:0002010.
MED12-Related Disorders. Also called: MED12-related condition; MED12-related disorder. Identifiers: MedGen CN381102.

Submissions (3):

Daryl Scott Lab, Baylor College of Medicine
Classification: Likely pathogenic for MED12-Related Disorder. Last evaluated: 2024-04-26. Review status: criteria provided, single submitter. Criteria: ACMG Guidelines, 2015. Collection method: clinical testing. Allele origin: de novo. Affected: yes. Observed: 1 heterozygote.

Labcorp Genetics (formerly Invitae), Labcorp
Classification: Likely pathogenic for FG syndrome. Last evaluated: 2023-12-07. Review status: criteria provided, single submitter. Criteria: Invitae Variant Classification Sherloc (09022015). Collection method: clinical testing. Allele origin: germline.
Comment: This sequence change affects a donor splice site in intron 43 of the MED12 gene. It is expected to disrupt RNA splicing. Variants that disrupt the donor or acceptor splice site typically lead to a loss of protein function (PMID: 16199547), and loss-of-function variants in MED12 are known to be pathogenic (PMID: 33244165, 33244166). This variant is not present in population databases (gnomAD no frequency). This variant has not been reported in the literature in individuals affected with MED12-related conditions. ClinVar contains an entry for this variant (Variation ID: 1028860). Algorithms developed to predict the effect of sequence changes on RNA splicing suggest that this variant may disrupt the consensus splice site. In summary, the currently available evidence indicates that the variant is pathogenic, but additional data are needed to prove that conclusively. Therefore, this variant has been classified as Likely Pathogenic.

Baylor Genetics
Classification: Pathogenic for X-linked intellectual disability with marfanoid habitus. Last evaluated: 2020-02-10. Review status: criteria provided, single submitter. Criteria: ACMG Guidelines, 2015. Collection method: clinical testing. Allele origin: de novo. Affected: yes.
Comment: This variant was determined to be pathogenic according to ACMG Guidelines, 2015 [PMID:25741868].

Literature cited by the submitters: PubMed 16199547 (cited by Labcorp Genetics (formerly Invitae), Labcorp); PubMed 33244165 (cited by Labcorp Genetics (formerly Invitae), Labcorp); PubMed 33244166 (cited by Labcorp Genetics (formerly Invitae), Labcorp).